The following is an entry in ClinVar:

NM_001365693.1(MGAM):c.127+5G>T

Gene: MGAM (maltase-glucoamylase; plus strand). Cytogenetic location: 7q34.
Variant type: single nucleotide variant.
Coding change: c.127+5G>T on transcript NM_001365693.1 (MANE Select); 5 bases into the intron after coding-DNA position 127, G replaced by T.
Molecular consequence: intron variant.
Genome position (GRCh38, 1-based): chr7:142,005,662, G>T. VCF-style: chr7-142005662-G-T. GRCh37 (hg19) VCF-style: chr7-141705462-G-T.
Other names: c.127+5G>T (NM_004668.3).
Identifiers: ClinVar variation 3250575 (VCV003250575.18), dbSNP rs145706810.
Genomic context (GRCh38, chr7:142,005,662, plus strand): 5'-TATCATCAGTATTGTTCTAATTGTGCTTTTAGCCAAAGAGTCACTGAAATCAACAGGTAA[G>T]AAGTAACTCTGGGGCTCTCTCCATATGTTGTTTTTATTAGAGCAAACCTTCAACAATGTC-3'

ClinVar aggregate classification (germline): Likely benign (1 of 4 stars; one submission).

Allele frequency attached by ClinVar (database versions not stated): gnomAD 0.00003; gnomAD exomes 0.00006; 1000 Genomes Project 30x 0.00016; ESP Exome Variant Server 0.00017; 1000 Genomes Project 0.00020; ExAC 0.00024.
gnomAD v4.1: 85 of 1,600,576 alleles (0.0053%); highest among the groups gnomAD compares: Admixed American, 0.036%; no homozygotes.

Submission:

CeGaT Center for Human Genetics Tuebingen
Classification: Likely benign. Last evaluated: 2024-06-01. Review status: criteria provided, single submitter. Criteria: CeGaT Center For Human Genetics Tuebingen Variant Classification Criteria Version 2. Collection method: clinical testing. Allele origin: germline. Affected: yes. Observed: 1 variant allele.
Comment: MGAM: BP4